The following is an entry in ClinVar:

NM_182641.4(BPTF):c.6322G>T (p.Ala2108Ser)

Gene: BPTF (bromodomain PHD finger transcription factor; plus strand). Cytogenetic location: 17q24.2.
Variant type: single nucleotide variant.
Coding change: c.6322G>T on transcript NM_182641.4 (MANE Select); coding-DNA position 6322, G replaced by T.
Protein change: p.Ala2108Ser; replaces alanine 2108 with serine.
Molecular consequence: missense variant.
Genome position (GRCh38, 1-based): chr17:67,940,501, G>T. VCF-style: chr17-67940501-G-T. GRCh37 (hg19) VCF-style: chr17-65936617-G-T.
Other names: c.6700G>T, p.Ala2234Ser (NM_004459.7); short protein forms A2108S, A2234S.
Identifiers: ClinVar variation 3253039 (VCV003253039.1), dbSNP rs1012381606.

ClinVar aggregate classification (germline): Uncertain significance (1 of 4 stars; one submission).

gnomAD v4.1: 34 of 1,613,862 alleles (0.0021%); highest among the groups gnomAD compares: Non-Finnish European, 0.0029%; no homozygotes.

Submission:

GeneDx
Classification: Uncertain significance. Last evaluated: 2023-06-19. Review status: criteria provided, single submitter. Criteria: GeneDx Variant Classification Process June 2021. Collection method: clinical testing. Allele origin: germline. Affected: yes.
Comment: Not observed at significant frequency in large population cohorts (gnomAD); In silico analysis supports that this missense variant does not alter protein structure/function; Has not been previously published as pathogenic or benign to our knowledge